The following is an entry in ClinVar:

ClinVar aggregate classification (germline): Likely benign. Review status: criteria provided, single submitter (1 of 4 stars). 2 submissions from 2 submitters: Likely benign (1). 1 of the submissions does not count toward it. Last evaluated 2022-08-01.

Conditions:
ADGRL2-related disorder. Also called: ADGRL2-related condition.

Allele frequency attached by ClinVar (database versions not stated): 1000 Genomes Project 30x 0.00016; 1000 Genomes Project 0.00020; TOPMed 0.00048; ExAC 0.00054; gnomAD 0.00054; ESP Exome Variant Server 0.00062; gnomAD exomes 0.00084.
gnomAD v4.1: 1,296 of 1,613,744 alleles (0.08%); highest among the groups gnomAD compares: Non-Finnish European, 0.1%; no homozygotes.

Submissions (2):

CeGaT Center for Human Genetics Tuebingen
Classification: Likely benign. Last evaluated: 2022-08-01. Review status: criteria provided, single submitter. Criteria: CeGaT Center For Human Genetics Tuebingen Variant Classification Criteria Version 2. Collection method: clinical testing. Allele origin: germline. Affected: yes. Observed: 1 variant allele.
Comment: ADGRL2: BP4, BP7

PreventionGenetics, part of Exact Sciences
Classification: Likely benign for ADGRL2-related condition. Last evaluated: 2019-08-28. Review status: no assertion criteria provided. Collection method: clinical testing. Allele origin: germline. Not counted in ClinVar's aggregate classification.
Comment: This variant is classified as likely benign based on ACMG/AMP sequence variant interpretation guidelines (Richards et al. 2015 PMID: 25741868, with internal and published modifications).

NM_001366006.2(ADGRL2):c.1026C>T (p.Asn342=)

Gene: ADGRL2 (adhesion G protein-coupled receptor L2; plus strand). Cytogenetic location: 1p31.1.
Variant type: single nucleotide variant.
Coding change: c.1026C>T on transcript NM_001366006.2 (MANE Select); coding-DNA position 1026, C replaced by T.
Protein change: p.Asn342=; no amino-acid change (asparagine 342 retained).
Molecular consequence: synonymous variant. On other transcripts: non-coding transcript variant (1).
Genome position (GRCh38, 1-based): chr1:81,943,585, C>T. VCF-style: chr1-81943585-C-T. GRCh37 (hg19) VCF-style: chr1-82409269-C-T.
Other names: c.1014C>T, p.Asn338= (NM_001297704.3, NM_001297705.3, NM_001297706.3 and 10 more transcripts); c.1026C>T, p.Asn342= (NM_001350698.2, NM_001366003.2, NM_001366004.2 and 4 more transcripts); c.1026C>T (NM_001366005.1).
Identifiers: ClinVar variation 2638900 (VCV002638900.25), dbSNP rs149165038, ClinGen allele CA922358.